The following is an entry in ClinVar:

NM_176869.3(PPA2):c.222+369G>T

Gene: PPA2 (inorganic pyrophosphatase 2; minus strand). Cytogenetic location: 4q24.
Variant type: single nucleotide variant.
Coding change: c.222+369G>T on transcript NM_176869.3 (MANE Select); 369 bases into the intron after coding-DNA position 222, G replaced by T.
Molecular consequence: intron variant.
Genome position (GRCh38, 1-based): chr4:105,456,312, C>A on the plus strand (G>T on the coding strand, the complement: PPA2 is on the minus strand). VCF-style: chr4-105456312-C-A. GRCh37 (hg19) VCF-style: chr4-106377469-C-A.
Other names: c.157+17582G>T (NM_176867.3); c.222+369G>T (NM_176866.2, NM_006903.4).
Identifiers: ClinVar variation 4530680 (VCV004530680.1).
Genomic context (GRCh38, chr4:105,456,312, plus strand): 5'-TCTTAGACAAGTCTATAAAAATGCCTTGAGCCTCAGTGTCCTTGGAAAGAAAAATAGCAA[C>A]TCATAACAATTAAATAACATCATGTTCACATAGTGGCTAGCAAATAAAAAATAATCCACA-3'

ClinVar aggregate classification (germline): Uncertain significance (1 of 4 stars; one submission).

Conditions:
Cardiac arrhythmia. Also called: Arrhythmia; Cardiac rhythm disease. Identifiers: MedGen C0003811, MONDO:0007263, HP:0011675.

gnomAD v4.1: 101 of 453,488 alleles (0.022%); highest among the groups gnomAD compares: Non-Finnish European, 0.038%; no homozygotes.

Submission:

Petrovsky National Research Centre of Surgery, The Federal Agency for Scientific Organizations
Classification: Uncertain significance for Cardiac arrhythmia. Last evaluated: 2025-11-18. Review status: criteria provided, single submitter. Criteria: ACMG Guidelines, 2015. Collection method: clinical testing. Allele origin: germline. Affected: yes.
Comment: The variant is present in The Genome Aggregation Database (gnomAD) v4.1.0 with a total MAF of 0.0002227. In accordance with ACMG (2015) criteria, this variant is classified as Variant of Uncertain Significance (Class III) with the following criteria applied: PM2, PP3.